The following is an entry in ClinVar:

ClinVar aggregate classification (germline): Likely pathogenic (1 of 4 stars; one submission).

Submission:

GeneDx
Classification: Likely pathogenic. Last evaluated: 2025-03-13. Review status: criteria provided, single submitter. Criteria: GeneDx Variant Classification Process June 2021. Collection method: clinical testing. Allele origin: germline. Affected: yes.
Comment: Functional in vitro studies of 3T3 cells showed that this variant behaves like WT in terms of focus formation and sensitivity to BRAF and MEK inhibitors (PMID: 36442478); In silico analysis supports that this missense variant has a deleterious effect on protein structure/function; Not observed at significant frequency in large population cohorts (gnomAD); Missense variants in this gene are a common cause of disease and they are underrepresented in the general population; This variant is associated with the following publications: (PMID: 29493581, 25370473, 22753777, 19156172, 26399658, 22177953, 36442478)

NM_002755.4(MAP2K1):c.395C>T (p.Ala132Val)

Gene: MAP2K1 (mitogen-activated protein kinase kinase 1; plus strand). Cytogenetic location: 15q22.31.
Variant type: single nucleotide variant.
Coding change: c.395C>T on transcript NM_002755.4 (MANE Select); coding-DNA position 395, C replaced by T.
Protein change: p.Ala132Val; replaces alanine 132 with valine.
Molecular consequence: missense variant.
Genome position (GRCh38, 1-based): chr15:66,436,849, C>T. VCF-style: chr15-66436849-C-T. GRCh37 (hg19) VCF-style: chr15-66729187-C-T.
Other names: c.329C>T, p.Ala110Val (NM_001411065.1); short protein forms A110V, A132V.
Identifiers: ClinVar variation 3338747 (VCV003338747.2).
Genomic context (GRCh38, chr15:66,436,849, plus strand): 5'-TAAGGGAGCTGCAGGTTCTGCATGAGTGCAACTCTCCGTACATCGTGGGCTTCTATGGTG[C>T]GTTCTACAGCGATGGCGAGATCAGTATCTGCATGGAGCACATGGTATGTGACACCCTCTC-3'
Protein context (NP_002746.1, residues 122-142): NSPYIVGFYG[Ala132Val]FYSDGEISIC